The following is an entry in ClinVar:

ClinVar aggregate classification (germline): Pathogenic/Likely pathogenic. Review status: criteria provided, multiple submitters, no conflicts (2 of 4 stars). 8 submissions from 8 submitters: Pathogenic (2); Likely pathogenic (5). 1 of the submissions does not count toward it. Last evaluated 2025-03-05.

Conditions:
Hereditary breast ovarian cancer syndrome. Also called: Hereditary breast and ovarian cancer syndrome; Hereditary breast and ovarian cancer; Hereditary breast and ovarian cancer syndrome (HBOC); Breast and ovarian cancer; Hereditary breast and/or ovarian cancer syndrome; BRCA1- and BRCA2-Associated Hereditary Breast and Ovarian Cancer. Identifiers: Orphanet 145, MedGen C0677776, MeSH D061325, MONDO:0003582. Disease mechanism: loss of function.
Hereditary cancer-predisposing syndrome. Also called: Neoplastic Syndromes, Hereditary; Tumor predisposition; Hereditary neoplastic syndrome; Hereditary Cancer Syndrome. Identifiers: Orphanet 140162, MedGen C0027672, MeSH D009386, MONDO:0015356.
Breast-ovarian cancer, familial, susceptibility to, 2 (BROVCA2). Also called: BRCA2 Hereditary Breast and Ovarian Cancer. Identifiers: Orphanet 145, MedGen C2675520, MONDO:0012933, OMIM 612555. Disease mechanism: loss of function.

Allele frequency attached by ClinVar (database versions not stated): gnomAD exomes below 0.00001.
gnomAD v4.1: 1 of 1,614,144 alleles (0.000062%); highest among the groups gnomAD compares: Non-Finnish European, 0.000085%; no homozygotes.

Submissions (8):

Ambry Genetics
Classification: Pathogenic for Hereditary cancer-predisposing syndrome. Last evaluated: 2025-03-05. Review status: criteria provided, single submitter. Criteria: Ambry Variant Classification Scheme 2023. Collection method: clinical testing. Allele origin: germline.
Comment: The p.L2686P pathogenic mutation (also known as c.8057T>C), located in coding exon 17 of the BRCA2 gene, results from a T to C substitution at nucleotide position 8057. The leucine at codon 2686 is replaced by proline, an amino acid with similar properties. This alteration was defective in homology-directed DNA repair (HDR) assays, as well as a mouse ES cell growth assay (Hu C et al. Am J Hum Genet, 2024 Mar;111:584-593; Mesman RLS et al. Genet. Med. 2019 02;21:293-302). In addition, in a study utilizing a bioinformatics method that integrates information about protein sequence, conservation, and structure in a protein likelihood ratio, the effect of this alteration was predicted likely deleterious (Karchin R et al. Cancer Inform. 2008 Apr;6:203-16). This variant is considered to be rare based on population cohorts in the Genome Aggregation Database (gnomAD). This amino acid position is highly conserved in available vertebrate species. In addition, this alteration is predicted to be deleterious by in silico analysis. Based on the supporting evidence, this alteration is interpreted as a disease-causing mutation.

Labcorp Genetics (formerly Invitae), Labcorp
Classification: Pathogenic for Hereditary breast ovarian cancer syndrome. Last evaluated: 2025-03-01. Review status: criteria provided, single submitter. Criteria: Invitae Variant Classification Sherloc (09022015). Collection method: clinical testing. Allele origin: germline.
Comment: This sequence change replaces leucine, which is neutral and non-polar, with proline, which is neutral and non-polar, at codon 2686 of the BRCA2 protein (p.Leu2686Pro). This variant is not present in population databases (gnomAD no frequency). This missense change has been observed in individual(s) with Fanconi anemia (PMID: 10923033, 26740091). In at least one individual the data is consistent with being in trans (on the opposite chromosome) from a pathogenic variant. ClinVar contains an entry for this variant (Variation ID: 52489). Invitae Evidence Modeling incorporating data from in vitro experimental studies (PMID: 33609447) indicates that this missense variant is expected to disrupt BRCA2 function with a positive predictive value of 95%. Experimental studies have shown that this missense change affects BRCA2 function (PMID: 29394989, 29988080). For these reasons, this variant has been classified as Pathogenic.

Women's Health and Genetics/Laboratory Corporation of America, LabCorp
Classification: Likely pathogenic for Hereditary breast and ovarian cancer syndrome. Last evaluated: 2020-10-05. Review status: criteria provided, single submitter. Criteria: LabCorp Variant Classification Summary - May 2015. Collection method: clinical testing. Allele origin: germline.
Comment: Variant summary: BRCA2 c.8057T>C (p.Leu2686Pro) results in a non-conservative amino acid change located in the BRCA2, OB1 domain (IPR015187) of the encoded protein sequence. Five of five in-silico tools predict a damaging effect of the variant on protein function. The variant was absent in 251264 control chromosomes. c.8057T>C has been reported in the literature in one individual affected with Fanconi Anemia and a biallelic BRCA2 genotype (BRCA2 c.9672dupA (paternal) and c.8057T>C (maternal) (Dodgshun_2016). It was also identified in a proband from a family with Hereditary Breast And Ovarian Cancer (Azzollini_2016). At-least two multifactorial probability based assessments have classified this variant with a high probability of pathogenicity (example, Karchin_2008, Lindor_2012). Several publications report consistent experimental evidence evaluating an impact on protein function (example, Guidugli_2018, Hart_2019). The most pronounced variant effect results in defective homology directed repair. Four clinical diagnostic laboratories have submitted clinical-significance assessments for this variant to ClinVar after 2014 without evidence for independent evaluation. All laboratories classified the variant as likely pathogenic citing overlapping evidence utilized in the context of this evaluation. Based on the evidence outlined above, the variant was classified as likely pathogenic.

Color Diagnostics, LLC DBA Color Health
Classification: Likely pathogenic for Hereditary cancer-predisposing syndrome. Last evaluated: 2019-10-08. Review status: criteria provided, single submitter. Criteria: ACMG Guidelines, 2015. Collection method: clinical testing. Allele origin: germline.
Comment: This missense variant replaces leucine with proline at codon 2686 of the BRCA2 protein. Computational prediction suggests that this variant may have deleterious impact on protein structure and function (internally defined REVEL score threshold >= 0.7, PMID: 27666373). Splice site prediction tools suggest that this variant may not impact RNA splicing. Functional studies have shown that this variant is deficient in the complementation of BRCA2-deficient mouse embryonic stem cell (PMID: 29988080). This variant has been reported with a pathogenic BRCA2 co-variant in an individual affected with Fanconi anemia with a family history of cancer (PMID: 26740091). This variant was also included in multifactorial analysis studies with discordant reports of pathogenicity (PMID: 21990134, 31131967). This variant has not been identified in the general population by the Genome Aggregation Database (gnomAD). Based on the available evidence, this variant is classified as Likely Pathogenic.

Cancer Variant Interpretation Group UK, Institute of Cancer Research, London
Classification: Likely pathogenic for Hereditary Breast and Ovarian Cancer. Last evaluated: 2018-10-10. Review status: criteria provided, single submitter. Criteria: ACMG Guidelines, 2015. Collection method: curation. Allele origin: germline.
Comment: Data used in classification: The frequency of this variant is 0/138,632 individuals (gnomAD) (PM2_mod). This variant is predicted deleterious on AlignGVGD (class: C65), SIFT (Deleterious), Polyphen2 HumVar (probably damaging) and CADD (19.2) (PP3_sup). The variant is in the DNA-binding domain of BRCA2 (PM1_sup). In the VarCall Bayesian statistical model for VUS classification using functional assay data (Guidugli et al Am J Hum Genet 2018; 102:233-248, Couch Lab), the variant has a probability of being deleterious of 0.994 and an overall classification of pathogenic. (PS3_strong). There are two likely pathogenic classifications on ClinVar for this variant from accredited USA diagnostic laboratories (Ambry Genetics and GeneDx, 2016) (PP5_sup). Data not used in classification: There are additional reports of this variant in ClinVar (1), UMD (5), BIC (1), and BRCA2 LOVD (1).

ARUP Laboratories, Molecular Genetics and Genomics, ARUP Laboratories
Classification: Likely pathogenic. Last evaluated: 2017-12-10. Review status: criteria provided, single submitter. Criteria: ARUP Molecular Germline Variant Investigation Process. Collection method: clinical testing. Allele origin: germline.

GeneDx
Classification: Likely pathogenic. Last evaluated: 2016-05-19. Review status: criteria provided, single submitter. Criteria: GeneDx Variant Classification (06012015). Collection method: clinical testing. Allele origin: germline. Affected: yes.
Comment: This variant is denoted BRCA2 c.8057T>C at the cDNA level, p.Leu2686Pro (L2686P) at the protein level, and results in the change of a Leucine to a Proline (CTT>CCT). Using alternate nomenclature, this variant would be defined as BRCA2 8285T>C. This variant was observed in an individual diagnosed with Fanconi Anemia who also harbored a pathogenic variant in trans with BRCA2 Leu2686Pro (Dodgshun 2016). This variant was strongly predicted by Lindor et al. (2012) to be likely pathogenic based on tumor pathology, clinical histories, family studies, and co-occurrence with deleterious variants. BRCA2 Leu2686Pro was not observed in approximately 6,500 individuals of European and African American ancestry in the NHLBI Exome Sequencing Project, suggesting it is not a common benign variant in these populations. Since Leucine and Proline differ in some properties, this is considered a semi-conservative amino acid substitution. BRCA2 Leu2686Pro occurs at a position that is conserved across species and is located in the DNA binding domain, the nuclear export signal motif, and the SHFM1 binding domain (Marston 1999, Yang 2002, Jayesekharan 2013). In silico analyses predict that this variant is probably damaging to protein structure and function. Based on the currently available evidence, we consider BRCA2 Leu2686Pro to be a likely pathogenic variant.

Breast Cancer Information Core (BIC) (BRCA2)
Classification: Uncertain significance for Breast-ovarian cancer, familial 2. Last evaluated: 2004-02-20. Review status: no assertion criteria provided. Collection method: clinical testing. Allele origin: germline. Affected: yes. Observed: 1 variant allele. Not counted in ClinVar's aggregate classification.

Literature cited by the submitters: PubMed 18724707 (cited by Ambry Genetics); PubMed 19043619 (cited by Ambry Genetics and Women's Health and Genetics/Laboratory Corporation of America, LabCorp); PubMed 21990134 (cited by Ambry Genetics and Women's Health and Genetics/Laboratory Corporation of America, LabCorp); PubMed 22505045 (cited by Ambry Genetics and Women's Health and Genetics/Laboratory Corporation of America, LabCorp); PubMed 26740091 (cited by 3 submitters); PubMed 29394989 (cited by 4 submitters); PubMed 29884841 (cited by Ambry Genetics and Women's Health and Genetics/Laboratory Corporation of America, LabCorp); PubMed 29988080 (cited by 3 submitters); PubMed 38417439 (cited by Ambry Genetics); PubMed 10923033 (cited by Labcorp Genetics (formerly Invitae), Labcorp); PubMed 33609447 (cited by Labcorp Genetics (formerly Invitae), Labcorp); PubMed 27062684 (cited by Women's Health and Genetics/Laboratory Corporation of America, LabCorp).

NM_000059.4(BRCA2):c.8057T>C (p.Leu2686Pro)

Gene: BRCA2 (BRCA2 DNA repair associated; plus strand). Cytogenetic location: 13q13.1.
Variant type: single nucleotide variant.
Coding change: c.8057T>C on transcript NM_000059.4 (MANE Select); coding-DNA position 8057, T replaced by C.
Protein change: p.Leu2686Pro; replaces leucine 2686 with proline.
Molecular consequence: missense variant.
Genome position (GRCh38, 1-based): chr13:32,363,259, T>C. VCF-style: chr13-32363259-T-C. GRCh37 (hg19) VCF-style: chr13-32937396-T-C.
Other names: short protein forms L2686P.
Identifiers: ClinVar variation 52489 (VCV000052489.27), dbSNP rs28897746, ClinGen allele CA025427.